The following is an entry in ClinVar:

NM_052947.4(ALPK2):c.2293C>T (p.Arg765Cys)

Gene: ALPK2 (alpha kinase 2; minus strand). Cytogenetic location: 18q21.31.
Variant type: single nucleotide variant.
Coding change: c.2293C>T on transcript NM_052947.4 (MANE Select); coding-DNA position 2293, C replaced by T.
Protein change: p.Arg765Cys; replaces arginine 765 with cysteine.
Molecular consequence: missense variant.
Genome position (GRCh38, 1-based): chr18:58,537,894, G>A on the plus strand (C>T on the coding strand, the complement: ALPK2 is on the minus strand). VCF-style: chr18-58537894-G-A. GRCh37 (hg19) VCF-style: chr18-56205126-G-A.
Other names: short protein forms R765C.
Identifiers: ClinVar variation 1789140 (VCV001789140.3), dbSNP rs115584025, ClinGen allele CA8977098.
Genomic context (GRCh38, chr18:58,537,894, plus strand): 5'-CAGTATCTGTGGGTTCAGGGGAAGCAACAGAGACAGCCACAGGCTCCCTGAAGTCAGCAC[G>A]AGCATCCTTGGGGAGATGCCTTGAGAACACACCTGGGGACATAGTCTCATCATTGGCTTC-3'
Protein context (NP_443179.3, residues 755-775): VFSRHLPKDA[Arg765Cys]ADFREPVAVS

ClinVar aggregate classification (germline): Uncertain significance (1 of 4 stars; one submission).

Allele frequency attached by ClinVar (database versions not stated): gnomAD exomes 0.00006; ExAC 0.00016; 1000 Genomes Project 30x 0.00031; 1000 Genomes Project 0.00040; gnomAD 0.00056; ESP Exome Variant Server 0.00069; TOPMed 0.00069.
gnomAD v4.1: 171 of 1,614,180 alleles (0.011%); highest among the groups gnomAD compares: African/African-American, 0.21%; no homozygotes.

Submission:

Ambry Genetics
Classification: Uncertain significance. Last evaluated: 2024-10-17. Review status: criteria provided, single submitter. Criteria: Ambry Variant Classification Scheme 2023. Collection method: clinical testing. Allele origin: germline.
Comment: The p.R765C variant (also known as c.2293C>T), located in coding exon 4 of the ALPK2 gene, results from a C to T substitution at nucleotide position 2293. The arginine at codon 765 is replaced by cysteine, an amino acid with highly dissimilar properties. This amino acid position is conserved. In addition, this alteration is predicted to be tolerated by in silico analysis. Since supporting evidence is limited at this time, the clinical significance of this alteration remains unclear.